The following is an entry in ClinVar:

NM_001768.7(CD8A):c.403+4C>G

Gene: CD8A (CD8 subunit alpha; minus strand). Cytogenetic location: 2p11.2.
Variant type: single nucleotide variant.
Coding change: c.403+4C>G on transcript NM_001768.7 (MANE Select); 4 bases into the intron after coding-DNA position 403, C replaced by G.
Molecular consequence: intron variant.
Genome position (GRCh38, 1-based): chr2:86,790,324, G>C on the plus strand (C>G on the coding strand, the complement: CD8A is on the minus strand). VCF-style: chr2-86790324-G-C. GRCh37 (hg19) VCF-style: chr2-87017447-G-C.
Other names: c.403+4C>G (NM_001145873.1, NM_001382698.1, NM_171827.4).
Identifiers: ClinVar variation 639504 (VCV000639504.9), dbSNP rs368774730, ClinGen allele CA1751207.
Genomic context (GRCh38, chr2:86,790,324, plus strand): 5'-GGAAAACAGGTTGAGGTGAACCCCAAGCCCCACGCGGAGAGGTGCCGCAACCCGGCGCGC[G>C]GACCTGGCAGGAAGACCGGCACGAAGTGGCTGAAGTACATGATGGAGTTGCTCAGGGCCG-3'

ClinVar aggregate classification (germline): Uncertain significance. Review status: criteria provided, multiple submitters, no conflicts (2 of 4 stars). 2 submissions from 2 submitters: Uncertain significance (2). Last evaluated 2024-06-30.

Conditions:
Susceptibility to respiratory infections associated with CD8alpha chain mutation (IMD116). Also called: Cd8 deficiency, familial; IMMUNODEFICIENCY 116. Identifiers: Orphanet 169085, MedGen C1837065, MONDO:0012161, OMIM 608957.

Allele frequency attached by ClinVar (database versions not stated): TOPMed 0.00002.
gnomAD v4.1: 96 of 1,610,254 alleles (0.006%); highest among the groups gnomAD compares: Non-Finnish European, 0.0078%; no homozygotes.

Submissions (2):

Women's Health and Genetics/Laboratory Corporation of America, LabCorp
Classification: Uncertain significance. Last evaluated: 2024-06-30. Review status: criteria provided, single submitter. Criteria: LabCorp Variant Classification Summary - May 2015. Collection method: clinical testing. Allele origin: germline.

Labcorp Genetics (formerly Invitae), Labcorp
Classification: Uncertain significance for Susceptibility to respiratory infections associated with CD8alpha chain mutation. Last evaluated: 2024-04-25. Review status: criteria provided, single submitter. Criteria: Invitae Variant Classification Sherloc (09022015). Collection method: clinical testing. Allele origin: germline.
Comment: This sequence change falls in intron 2 of the CD8A gene. It does not directly change the encoded amino acid sequence of the CD8A protein. It affects a nucleotide within the consensus splice site. This variant is present in population databases (rs368774730, gnomAD 0.009%). This variant has not been reported in the literature in individuals affected with CD8A-related conditions. ClinVar contains an entry for this variant (Variation ID: 639504). Variants that disrupt the consensus splice site are a relatively common cause of aberrant splicing (PMID: 17576681, 9536098). Algorithms developed to predict the effect of sequence changes on RNA splicing suggest that this variant is not likely to affect RNA splicing. In summary, the available evidence is currently insufficient to determine the role of this variant in disease. Therefore, it has been classified as a Variant of Uncertain Significance.

Literature cited by the submitters: PubMed 17576681 (cited by Labcorp Genetics (formerly Invitae), Labcorp); PubMed 9536098 (cited by Labcorp Genetics (formerly Invitae), Labcorp).